The following is an entry in ClinVar:

ClinVar aggregate classification (germline): Uncertain significance (0 of 4 stars; one submission).

Conditions:
AUTS2-related disorder. Also called: AUTS2-related condition.

gnomAD v4.1: 1 of 1,614,052 alleles (0.000062%); highest among the groups gnomAD compares: South Asian, 0.0011%; no homozygotes.

Submission:

PreventionGenetics, part of Exact Sciences
Classification: Uncertain significance for AUTS2-related condition. Last evaluated: 2024-03-22. Review status: no assertion criteria provided. Collection method: clinical testing. Allele origin: germline.
Comment: The AUTS2 c.2468C>G variant is predicted to result in the amino acid substitution p.Ala823Gly. To our knowledge, this variant has not been reported in the literature. This variant is reported in 0.0033% of alleles in individuals of South Asian descent in gnomAD. At this time, the clinical significance of this variant is uncertain due to the absence of conclusive functional and genetic evidence.

NM_015570.4(AUTS2):c.2468C>G (p.Ala823Gly)

Gene: AUTS2 (activator of transcription and developmental regulator AUTS2; plus strand). Cytogenetic location: 7q11.22.
Variant type: single nucleotide variant.
Coding change: c.2468C>G on transcript NM_015570.4 (MANE Select); coding-DNA position 2468, C replaced by G.
Protein change: p.Ala823Gly; replaces alanine 823 with glycine.
Molecular consequence: missense variant.
Genome position (GRCh38, 1-based): chr7:70,787,368, C>G. VCF-style: chr7-70787368-C-G. GRCh37 (hg19) VCF-style: chr7-70252354-C-G.
Other names: c.2396C>G, p.Ala799Gly (NM_001127231.3); short protein forms A799G, A823G.
Identifiers: ClinVar variation 3349798 (VCV003349798.1).
Genomic context (GRCh38, chr7:70,787,368, plus strand): 5'-TCCCGACCCCTCCGCCCTGGCTGAAGCCAGGGGAGCTGGAGCGCAGCGCGTCCGCTGCAG[C>G]TCATGACAGAGATAGAGATGTAGATAAACGAGACTCATCTGTTAGTAAAGATGACAAAGA-3'
Protein context (NP_056385.1, residues 813-833): GELERSASAA[Ala823Gly]HDRDRDVDKR